The following is an entry in ClinVar:

NM_000057.4(BLM):c.808G>A (p.Glu270Lys)

Gene: BLM (BLM RecQ like helicase; plus strand). Cytogenetic location: 15q26.1.
Variant type: single nucleotide variant.
Coding change: c.808G>A on transcript NM_000057.4 (MANE Select); coding-DNA position 808, G replaced by A.
Protein change: p.Glu270Lys; replaces glutamic acid 270 with lysine.
Molecular consequence: missense variant. On other transcripts: 5 prime UTR variant (1).
Genome position (GRCh38, 1-based): chr15:90,751,795, G>A. VCF-style: chr15-90751795-G-A. GRCh37 (hg19) VCF-style: chr15-91295025-G-A.
Other names: c.808G>A, p.Glu270Lys (NM_001287246.2, NM_001287247.2); c.-484G>A (NM_001287248.2); c.808G>A (LRG_20t1); short protein forms E270K.
Identifiers: ClinVar variation 454165 (VCV000454165.22), dbSNP rs762053925, ClinGen allele CA7738371.
Genomic context (GRCh38, chr15:90,751,795, plus strand): 5'-TCTGTCTCATTAGTGGTTAACAAATCTATGTTTATCAACTGTTTTACTGTAGATAATAGC[G>A]AAAAGAAGAAGAATTTGGAAGAAGCTGAATTACATTCAACTGAGAAAGTTCCATGTATTG-3'
Protein context (NP_000048.1, residues 260-280): THLEDERDNS[Glu270Lys]KKKNLEEAEL

ClinVar aggregate classification (germline): Conflicting classifications of pathogenicity. Review status: criteria provided, conflicting classifications (1 of 4 stars). 7 submissions from 7 submitters: Uncertain significance (5); Likely benign (1). 1 of the submissions does not count toward it. Last evaluated 2026-08-06.

Conditions:
Bloom syndrome (BLM). Also called: Bloom-Torre-Machacek syndrome. Identifiers: Orphanet 125, MedGen C0005859, MONDO:0008876, OMIM 210900.
Monogenic short statue.
BLM-related disorder. Also called: BLM-related condition.
Hereditary cancer-predisposing syndrome. Also called: Neoplastic Syndromes, Hereditary; Tumor predisposition; Hereditary Cancer Syndrome; Hereditary neoplastic syndrome. Identifiers: Orphanet 140162, MedGen C0027672, MeSH D009386, MONDO:0015356.

Allele frequency attached by ClinVar (database versions not stated): ExAC 0.00004; TOPMed 0.00004; gnomAD 0.00005 and 0.00006; gnomAD exomes 0.00006.
gnomAD v4.1: 49 of 1,611,462 alleles (0.003%); highest among the groups gnomAD compares: South Asian, 0.016%; no homozygotes.

Submissions (7):

NHS Central & South Genomic Laboratory Hub
Classification: Uncertain significance for Monogenic short statue. Last evaluated: 2026-08-06. Review status: criteria provided, single submitter. Criteria: ACMG Guidelines, 2015. Collection method: clinical testing. Allele origin: germline. Affected: yes.

Labcorp Genetics (formerly Invitae), Labcorp
Classification: Uncertain significance for Bloom syndrome. Last evaluated: 2026-01-31. Review status: criteria provided, single submitter. Criteria: Invitae Variant Classification Sherloc (09022015). Collection method: clinical testing. Allele origin: germline.
Comment: This sequence change replaces glutamic acid, which is acidic and polar, with lysine, which is basic and polar, at codon 270 of the BLM protein (p.Glu270Lys). This variant is present in population databases (rs762053925, gnomAD 0.03%). This variant has not been reported in the literature in individuals affected with BLM-related conditions. ClinVar contains an entry for this variant (Variation ID: 454165). An algorithm developed to predict the effect of missense changes on protein structure and function outputs the following: PolyPhen-2: "Possibly Damaging". The lysine amino acid residue is found in multiple mammalian species, which suggests that this missense change does not adversely affect protein function. In summary, the available evidence is currently insufficient to determine the role of this variant in disease. Therefore, it has been classified as a Variant of Uncertain Significance.

Quest Diagnostics Nichols Institute San Juan Capistrano
Classification: Uncertain significance. Last evaluated: 2025-10-16. Review status: criteria provided, single submitter. Criteria: Quest Diagnostics criteria. Collection method: clinical testing. Allele origin: unknown.
Comment: The BLM c.808G>A (p.Glu270Lys) variant has been reported in the published literature in in individuals with ovarian cancer (PMID: 37460928 (2023)) and pancreatic cancer (PMID: 39256447 (2024)). The frequency of this variant in the general population (Genome Aggregation Database) is uninformative in the assessment of its pathogenicity. Analysis of this variant using bioinformatics tools for the prediction of the effect of amino acid changes on protein structure and function yielded predictions that this variant is benign. Based on the available information, we are unable to determine the clinical significance of this variant.

Women's Health and Genetics/Laboratory Corporation of America, LabCorp
Classification: Uncertain significance. Last evaluated: 2025-06-05. Review status: criteria provided, single submitter. Criteria: LabCorp Variant Classification Summary - May 2015. Collection method: clinical testing. Allele origin: germline.
Comment: Variant summary: BLM c.808G>A (p.Glu270Lys) results in a conservative amino acid change in the encoded protein sequence. Algorithms developed to predict the effect of missense changes on protein structure and function all suggest that this variant is likely to be tolerated. The variant allele was found at a frequency of 6e-05 in 251074 control chromosomes. This frequency is not significantly higher than estimated for a pathogenic variant in BLM causing Bloom Syndrome (6e-05 vs 0.0035), allowing no conclusion about variant significance. To our knowledge, no occurrence of c.808G>A in individuals affected with Bloom Syndrome and no experimental evidence demonstrating its impact on protein function have been reported. ClinVar contains an entry for this variant (Variation ID: 454165). Based on the evidence outlined above, the variant was classified as uncertain significance.

PreventionGenetics, part of Exact Sciences
Classification: Uncertain significance for BLM-related condition. Last evaluated: 2023-06-02. Review status: criteria provided, single submitter. Criteria: ACMG Guidelines, 2015. Collection method: clinical testing. Allele origin: germline.
Comment: The BLM c.808G>A variant is predicted to result in the amino acid substitution p.Glu270Lys. To our knowledge, this variant has not been reported in the literature. This variant is reported in 0.029% of alleles in individuals of South Asian descent in gnomAD. At this time, the clinical significance of this variant is uncertain due to the absence of conclusive functional and genetic evidence.

Ambry Genetics
Classification: Likely benign for Hereditary cancer-predisposing syndrome. Last evaluated: 2022-02-01. Review status: criteria provided, single submitter. Criteria: Ambry Variant Classification Scheme 2023. Collection method: clinical testing. Allele origin: germline.

Natera, Inc.
Classification: Uncertain significance for Bloom syndrome. Last evaluated: 2017-11-17. Review status: no assertion criteria provided. Collection method: clinical testing. Allele origin: germline. Not counted in ClinVar's aggregate classification.

Literature cited by the submitters: PubMed 37460928 (cited by Quest Diagnostics Nichols Institute San Juan Capistrano); PubMed 39256447 (cited by Quest Diagnostics Nichols Institute San Juan Capistrano); PubMed 29970176 (cited by Quest Diagnostics Nichols Institute San Juan Capistrano).